The following is an entry in ClinVar:

ClinVar aggregate classification (germline): Uncertain significance (1 of 4 stars; one submission).

Submission:

GeneDx
Classification: Uncertain significance. Last evaluated: 2023-05-10. Review status: criteria provided, single submitter. Criteria: GeneDx Variant Classification Process June 2021. Collection method: clinical testing. Allele origin: germline. Affected: yes.
Comment: Canonical splice site variant in a gene or region of a gene for which loss of function is not a well-established mechanism of disease; Not observed at significant frequency in large population cohorts (gnomAD); Has not been previously published as pathogenic or benign to our knowledge

NM_006136.3(CAPZA2):c.585+1G>T

Gene: CAPZA2 (capping actin protein of muscle Z-line subunit alpha 2; plus strand). Cytogenetic location: 7q31.2.
Variant type: single nucleotide variant.
Coding change: c.585+1G>T on transcript NM_006136.3 (MANE Select); the canonical splice donor site of the intron after coding-DNA position 585, G replaced by T.
Molecular consequence: splice donor variant.
Genome position (GRCh38, 1-based): chr7:116,910,312, G>T. VCF-style: chr7-116910312-G-T. GRCh37 (hg19) VCF-style: chr7-116550366-G-T.
Identifiers: ClinVar variation 2662269 (VCV002662269.1), dbSNP rs2486001138, ClinGen allele CA369124604.